The following is an entry in ClinVar:

NM_001290060.2(SEMA3B):c.1491G>A (p.Arg497=)

Gene: SEMA3B (semaphorin 3B; plus strand). Cytogenetic location: 3p21.31.
Variant type: single nucleotide variant.
Coding change: c.1491G>A on transcript NM_001290060.2 (MANE Select); coding-DNA position 1491, G replaced by A.
Protein change: p.Arg497=; no amino-acid change (arginine 497 retained).
Molecular consequence: synonymous variant. On other transcripts: non-coding transcript variant (1).
Genome position (GRCh38, 1-based): chr3:50,275,053, G>A. VCF-style: chr3-50275053-G-A. GRCh37 (hg19) VCF-style: chr3-50312484-G-A.
Other names: c.1488G>A, p.Arg496= (NM_001005914.3); c.1506G>A, p.Arg502= (NM_001290061.1); c.462G>A, p.Arg154= (NM_001290062.2, NM_001290063.2); c.1491G>A, p.Arg497= (NM_004636.4).
Identifiers: ClinVar variation 3356256 (VCV003356256.1).

ClinVar aggregate classification (germline): Likely benign (0 of 4 stars; one submission).

Conditions:
SEMA3B-related disorder. Also called: SEMA3B-related condition.

gnomAD v4.1: 1 of 1,584,226 alleles (0.000063%); highest among the groups gnomAD compares: African/African-American, 0.0013%; no homozygotes.

Submission:

PreventionGenetics, part of Exact Sciences
Classification: Likely benign for SEMA3B-related condition. Last evaluated: 2023-07-26. Review status: no assertion criteria provided. Collection method: clinical testing. Allele origin: germline.
Comment: This variant is classified as likely benign based on ACMG/AMP sequence variant interpretation guidelines (Richards et al. 2015 PMID: 25741868, with internal and published modifications).